The following is an entry in ClinVar:

ClinVar aggregate classification (germline): Uncertain significance (1 of 4 stars; one submission).

Conditions:
Epilepsy, progressive myoclonic, 1B. Also called: PME. Identifiers: Orphanet 308, MedGen C2676254, MONDO:0012904, OMIM 612437.

Submission:

Labcorp Genetics (formerly Invitae), Labcorp
Classification: Uncertain significance for Epilepsy, progressive myoclonic, 1B. Last evaluated: 2020-07-10. Review status: criteria provided, single submitter. Criteria: Invitae Variant Classification Sherloc (09022015). Collection method: clinical testing. Allele origin: germline.
Comment: In summary, the available evidence is currently insufficient to determine the role of this variant in disease. Therefore, it has been classified as a Variant of Uncertain Significance. This sequence change replaces isoleucine with valine at codon 444 of the PRICKLE1 protein (p.Ile444Val). The isoleucine residue is moderately conserved and there is a small physicochemical difference between isoleucine and valine. This variant is not present in population databases (ExAC no frequency). This variant has not been reported in the literature in individuals with PRICKLE1-related conditions. Algorithms developed to predict the effect of missense changes on protein structure and function output the following: SIFT: "Tolerated"; PolyPhen-2: "Benign"; Align-GVGD: "Class C0". The valine amino acid residue is found in multiple mammalian species, suggesting that this missense change does not adversely affect protein function. These predictions have not been confirmed by published functional studies and their clinical significance is uncertain. Algorithms developed to predict the effect of sequence changes on RNA splicing suggest that this variant may create or strengthen a splice site, but this prediction has not been confirmed by published transcriptional studies.

NM_153026.3(PRICKLE1):c.1330A>G (p.Ile444Val)

Gene: PRICKLE1 (prickle planar cell polarity protein 1; minus strand). Cytogenetic location: 12q12.
Variant type: single nucleotide variant.
Coding change: c.1330A>G on transcript NM_153026.3 (MANE Select); coding-DNA position 1330, A replaced by G.
Protein change: p.Ile444Val; replaces isoleucine 444 with valine.
Molecular consequence: missense variant.
Genome position (GRCh38, 1-based): chr12:42,464,704, T>C on the plus strand (A>G on the coding strand, the complement: PRICKLE1 is on the minus strand). VCF-style: chr12-42464704-T-C. GRCh37 (hg19) VCF-style: chr12-42858506-T-C.
Other names: c.1330A>G, p.Ile444Val (NM_001144881.2, NM_001144882.2, NM_001144883.2); short protein forms I444V.
Identifiers: ClinVar variation 1046815 (VCV001046815.8), dbSNP rs146199468, ClinGen allele CA384441940.